The following is an entry in ClinVar:

NM_198150.3(ARSK):c.785dup (p.Asn262fs)

Gene: ARSK (arylsulfatase family member K; plus strand). Cytogenetic location: 5q15.
Variant type: Duplication.
Coding change: c.785dup on transcript NM_198150.3 (MANE Select); coding-DNA position 785, one base duplicated (A; older notation c.785dupA).
Protein change: p.Asn262fs; shifts the reading frame from asparagine 262.
Molecular consequence: frameshift variant.
Genome position (GRCh38, 1-based): chr5:95,586,647, A duplicated; the last of 6 consecutive A bases (chr5:95,586,642-95,586,647); duplicating any one gives the same sequence. VCF-style (leftmost placement, unchanged base first): chr5-95586641-C-CA. GRCh37 (hg19) VCF-style: chr5-94922345-C-CA.
Other names: c.785dupA (NM_198150.3); short protein forms N262fs.
Identifiers: ClinVar variation 4845732 (VCV004845732.1).

ClinVar aggregate classification (germline): Likely pathogenic (1 of 4 stars; one submission).

Conditions:
Mucopolysaccharidosis, type 10. Also called: ARSK DEFICIENCY; ARYLSULFATASE K DEFICIENCY. Identifiers: Orphanet 662216, MedGen C5562064, MONDO:0030524, OMIM 619698.

Submission:

First Genomix Gene Laboratory, Genetic Diagnostics Department
Classification: Likely pathogenic for Mucopolysaccharidosis, type 10. Last evaluated: 2025-01-27. Review status: criteria provided, single submitter. Criteria: ACMG Guidelines, 2015. Collection method: clinical testing. Allele origin: germline. Inheritance: Autosomal recessive inheritance. Affected: no. Observed: 1 variant allele.